The following is an entry in ClinVar:

NM_000059.4(BRCA2):c.8234_8237del (p.Leu2745fs)

Gene: BRCA2 (BRCA2 DNA repair associated; plus strand). Cytogenetic location: 13q13.1.
Variant type: Deletion.
Coding change: c.8234_8237del on transcript NM_000059.4 (MANE Select); coding-DNA positions 8234 to 8237, 4 bases deleted (TGAC; older notation c.8234_8237delTGAC).
Protein change: p.Leu2745fs; shifts the reading frame from leucine 2745.
Molecular consequence: frameshift variant.
Genome position (GRCh38, 1-based): chr13:32,363,436-32,363,439, TGAC deleted; deleting any 4 consecutive bases within chr13:32,363,433-32,363,439 gives the same sequence; the c. name uses the placement nearest the transcript's 3' end. VCF-style (leftmost placement, unchanged base first): chr13-32363432-AGACT-A. GRCh37 (hg19) VCF-style: chr13-32937569-AGACT-A.
Other names: 8462del4; c.8234_8237delTGAC (NM_000059.3).
Identifiers: ClinVar variation 52532 (VCV000052532.19), dbSNP rs80359699, ClinGen allele CA025532.

ClinVar aggregate classification (germline): Pathogenic. Review status: reviewed by expert panel (3 of 4 stars). 6 submissions from 6 submitters: Pathogenic (1). 5 of the submissions do not count toward it. Last evaluated 2016-09-08.

Conditions:
Hereditary breast ovarian cancer syndrome. Also called: Hereditary breast and ovarian cancer syndrome; Hereditary breast and ovarian cancer; Hereditary breast and ovarian cancer syndrome (HBOC); Breast and ovarian cancer; Hereditary breast and/or ovarian cancer syndrome; BRCA1- and BRCA2-Associated Hereditary Breast and Ovarian Cancer. Identifiers: Orphanet 145, MedGen C0677776, MeSH D061325, MONDO:0003582. Disease mechanism: loss of function.
Hereditary cancer-predisposing syndrome. Also called: Neoplastic Syndromes, Hereditary; Tumor predisposition; Hereditary neoplastic syndrome; Hereditary Cancer Syndrome. Identifiers: Orphanet 140162, MedGen C0027672, MeSH D009386, MONDO:0015356.
Breast-ovarian cancer, familial, susceptibility to, 2 (BROVCA2). Also called: BRCA2 Hereditary Breast and Ovarian Cancer. Identifiers: Orphanet 145, MedGen C2675520, MONDO:0012933, OMIM 612555. Disease mechanism: loss of function.

Submissions (6):

Evidence-based Network for the Interpretation of Germline Mutant Alleles (ENIGMA)
Classification: Pathogenic for Breast-ovarian cancer, familial, susceptibility to, 2. Last evaluated: 2016-09-08. Review status: reviewed by expert panel. Criteria: ENIGMA BRCA1/2 Classification Criteria (2015). Collection method: curation. Allele origin: germline.
Comment: Variant allele predicted to encode a truncated non-functional protein.

Ambry Genetics
Classification: Pathogenic for Hereditary cancer-predisposing syndrome. Last evaluated: 2022-03-03. Review status: criteria provided, single submitter. Criteria: Ambry Variant Classification Scheme 2023. Collection method: clinical testing. Allele origin: germline. Not counted in ClinVar's aggregate classification.
Comment: The c.8234_8237delTGAC pathogenic mutation, located in coding exon 17 of the BRCA2 gene, results from a deletion of 4 nucleotides at nucleotide positions 8234 to 8237, causing a translational frameshift with a predicted alternate stop codon (p.L2745Qfs*31). This alteration has been detected in 1/2575 unselected patients with breast cancer and 0/2809 healthy control individuals from a Malaysian cohort (Wen WX et al. J Med Genet, 2018 02;55:97-103). This alteration has also been reported in large studies of BRCA1/2 mutation positive families (Kwong A et al. J Med Genet, 2016 Jan;53:15-23; Rebbeck TR et al. Hum Mutat, 2018 05;39:593-620). In addition to the clinical data presented in the literature, this alteration is expected to result in loss of function by premature protein truncation or nonsense-mediated mRNA decay. As such, this alteration is interpreted as a disease-causing mutation.

Labcorp Genetics (formerly Invitae), Labcorp
Classification: Pathogenic for Hereditary breast ovarian cancer syndrome. Last evaluated: 2021-07-31. Review status: criteria provided, single submitter. Criteria: Invitae Variant Classification Sherloc (09022015). Collection method: clinical testing. Allele origin: germline. Not counted in ClinVar's aggregate classification.
Comment: This sequence change creates a premature translational stop signal (p.Leu2745Glnfs*31) in the BRCA2 gene. It is expected to result in an absent or disrupted protein product. For these reasons, this variant has been classified as Pathogenic. Loss-of-function variants in BRCA2 are known to be pathogenic (PMID: 20104584). This variant has been observed in an individual affected with breast cancer (PMID: 24578176). ClinVar contains an entry for this variant (Variation ID: 52532). This variant is not present in population databases (ExAC no frequency).

Quest Diagnostics Nichols Institute San Juan Capistrano
Classification: Pathogenic. Last evaluated: 2018-11-28. Review status: criteria provided, single submitter. Criteria: Quest Diagnostics criteria. Collection method: clinical testing. Allele origin: germline. Not counted in ClinVar's aggregate classification.
Comment: The variant results in a shift of the reading frame, and is therefore predicted to result in the loss of a functional protein. Found in at least one symptomatic patient, and not found in general population data.

Consortium of Investigators of Modifiers of BRCA1/2 (CIMBA), c/o University of Cambridge
Classification: Pathogenic for Breast-ovarian cancer, familial, susceptibility to, 2. Last evaluated: 2015-10-02. Review status: criteria provided, single submitter. Criteria: CIMBA Mutation Classification guidelines May 2016. Collection method: clinical testing. Allele origin: germline. Not counted in ClinVar's aggregate classification.

Breast Cancer Information Core (BIC) (BRCA2)
Classification: Pathogenic for Breast-ovarian cancer, familial 2. Last evaluated: 2002-05-29. Review status: no assertion criteria provided. Collection method: clinical testing. Allele origin: germline. Affected: yes. Observed: 2 variant alleles. Not counted in ClinVar's aggregate classification.

Literature cited by the submitters: PubMed 26187060 (cited by Ambry Genetics and Quest Diagnostics Nichols Institute San Juan Capistrano); PubMed 28993434 (cited by Ambry Genetics and Quest Diagnostics Nichols Institute San Juan Capistrano); PubMed 29446198 (cited by Ambry Genetics and Quest Diagnostics Nichols Institute San Juan Capistrano); PubMed 20104584 (cited by Labcorp Genetics (formerly Invitae), Labcorp); PubMed 24578176 (cited by Labcorp Genetics (formerly Invitae), Labcorp and Quest Diagnostics Nichols Institute San Juan Capistrano).